The following is an entry in ClinVar:

ClinVar aggregate classification (germline): Uncertain significance (1 of 4 stars; one submission).

Submission:

GeneDx
Classification: Uncertain significance. Last evaluated: 2025-04-24. Review status: criteria provided, single submitter. Criteria: GeneDx Variant Classification Process June 2021. Collection method: clinical testing. Allele origin: germline. Affected: yes.
Comment: Not observed at significant frequency in large population cohorts (gnomAD); In silico analysis supports that this missense variant has a deleterious effect on protein structure/function; Has not been previously published as pathogenic or benign to our knowledge

NM_002430.3(MN1):c.2411C>T (p.Ala804Val)

Gene: MN1 (MN1 proto-oncogene, transcriptional regulator; minus strand). Cytogenetic location: 22q12.1.
Variant type: single nucleotide variant.
Coding change: c.2411C>T on transcript NM_002430.3 (MANE Select); coding-DNA position 2411, C replaced by T.
Protein change: p.Ala804Val; replaces alanine 804 with valine.
Molecular consequence: missense variant.
Genome position (GRCh38, 1-based): chr22:27,798,133, G>A on the plus strand (C>T on the coding strand, the complement: MN1 is on the minus strand). VCF-style: chr22-27798133-G-A. GRCh37 (hg19) VCF-style: chr22-28194121-G-A.
Other names: short protein forms A804V.
Identifiers: ClinVar variation 4527618 (VCV004527618.1).